The following is an entry in ClinVar:

ClinVar aggregate classification (germline): Uncertain significance. Review status: criteria provided, multiple submitters, no conflicts (2 of 4 stars). 5 submissions from 5 submitters: Uncertain significance (5). Last evaluated 2024-11-08.

Conditions:
Primary ciliary dyskinesia 24 (CILD24). Also called: CILIARY DYSKINESIA, PRIMARY, 24, WITHOUT SITUS INVERSUS. Identifiers: Orphanet 244, MedGen C3809634, MONDO:0014202, OMIM 615481.
Primary ciliary dyskinesia. Also called: Ciliary dyskinesia. Identifiers: Orphanet 244, MedGen C0008780, MONDO:0016575, HP:0012265.

Allele frequency attached by ClinVar (database versions not stated): gnomAD 0.00031; gnomAD exomes 0.00039; ExAC 0.00044.

Submissions (5):

Blueprint Genetics
Classification: Uncertain significance. Last evaluated: 2024-11-08. Review status: criteria provided, single submitter. Criteria: ACMG Guidelines, 2015. Collection method: clinical testing. Allele origin: germline.

Labcorp Genetics (formerly Invitae), Labcorp
Classification: Uncertain significance for Primary ciliary dyskinesia. Last evaluated: 2022-09-13. Review status: criteria provided, single submitter. Criteria: Invitae Variant Classification Sherloc (09022015). Collection method: clinical testing. Allele origin: germline.
Comment: This sequence change replaces serine, which is neutral and polar, with glycine, which is neutral and non-polar, at codon 243 of the RSPH1 protein (p.Ser243Gly). The frequency data for this variant in the population databases is considered unreliable, as metrics indicate poor data quality at this position in the gnomAD database. This variant has not been reported in the literature in individuals affected with RSPH1-related conditions. ClinVar contains an entry for this variant (Variation ID: 454951). Algorithms developed to predict the effect of missense changes on protein structure and function output the following: SIFT: "Tolerated"; PolyPhen-2: "Benign"; Align-GVGD: "Class C0". The glycine amino acid residue is found in multiple mammalian species, which suggests that this missense change does not adversely affect protein function. Algorithms developed to predict the effect of sequence changes on RNA splicing suggest that this variant may disrupt the consensus splice site. In summary, the available evidence is currently insufficient to determine the role of this variant in disease. Therefore, it has been classified as a Variant of Uncertain Significance.

GeneDx
Classification: Uncertain significance. Last evaluated: 2019-04-23. Review status: criteria provided, single submitter. Criteria: GeneDx Variant Classification Process June 2021. Collection method: clinical testing. Allele origin: germline. Affected: yes.
Comment: In silico analysis, which includes protein predictors and evolutionary conservation, supports that this variant does not alter protein structure/function; Has not been previously published as pathogenic or benign to our knowledge

Fulgent Genetics
Classification: Uncertain significance for Primary ciliary dyskinesia 24. Last evaluated: 2018-10-31. Review status: criteria provided, single submitter. Criteria: ACMG Guidelines, 2015. Collection method: clinical testing. Allele origin: unknown.

Breakthrough Genomics
Classification: Uncertain significance. Review status: criteria provided, single submitter. Criteria: ACMG Guidelines, 2015. Collection method: not provided. Allele origin: germline. Inheritance: Autosomal dominant inheritance. Affected: yes.

NM_080860.4(RSPH1):c.727A>G (p.Ser243Gly)

Gene: RSPH1 (radial spoke head component 1; minus strand). Cytogenetic location: 21q22.3.
Variant type: single nucleotide variant.
Coding change: c.727A>G on transcript NM_080860.4 (MANE Select); coding-DNA position 727, A replaced by G.
Protein change: p.Ser243Gly; replaces serine 243 with glycine.
Molecular consequence: missense variant.
Genome position (GRCh38, 1-based): chr21:42,477,291, T>C on the plus strand (A>G on the coding strand, the complement: RSPH1 is on the minus strand). VCF-style: chr21-42477291-T-C. GRCh37 (hg19) VCF-style: chr21-43897401-T-C.
Other names: c.613A>G, p.Ser205Gly (NM_001286506.2); short protein forms S243G, S205G.
Identifiers: ClinVar variation 454951 (VCV000454951.10), dbSNP rs137935071, ClinGen allele CA10043815.